The following is an entry in ClinVar:

ClinVar aggregate classification (germline): Likely pathogenic (1 of 4 stars; one submission).

Allele frequency attached by ClinVar (database versions not stated): TOPMed below 0.00001; ExAC 0.00001.

Submission:

GeneDx
Classification: Likely pathogenic. Last evaluated: 2023-07-14. Review status: criteria provided, single submitter. Criteria: GeneDx Variant Classification Process June 2021. Collection method: clinical testing. Allele origin: germline. Affected: yes.
Comment: Nonsense variant predicted to result in protein truncation or nonsense mediated decay in a gene for which loss of function is a known mechanism of disease; Not observed at significant frequency in large population cohorts (gnomAD); Has not been previously published as pathogenic or benign to our knowledge

NM_019108.4(SMG9):c.22C>T (p.Gln8Ter)

Gene: SMG9 (SMG9 nonsense mediated mRNA decay factor; minus strand). Cytogenetic location: 19q13.31.
Variant type: single nucleotide variant.
Coding change: c.22C>T on transcript NM_019108.4 (MANE Select); coding-DNA position 22, C replaced by T.
Protein change: p.Gln8Ter; replaces glutamine 8 with a stop codon.
Molecular consequence: nonsense.
Genome position (GRCh38, 1-based): chr19:43,750,720, G>A on the plus strand (C>T on the coding strand, the complement: SMG9 is on the minus strand). VCF-style: chr19-43750720-G-A. GRCh37 (hg19) VCF-style: chr19-44254872-G-A.
Other names: short protein forms Q8*.
Identifiers: ClinVar variation 2572731 (VCV002572731.1), dbSNP rs767958103, ClinGen allele CA9491712.
Genomic context (GRCh38, chr19:43,750,720, plus strand): 5'-GGCCACCAGAGCCAGGCTCCTTCCACCGTCGCCGCCGCTCTATCCCATAGAGTCCAGGCT[G>A]ACTGTGTCCAGACTCAGACATGGTTACCTATGGAGGGAATGAGGGGATTTCAGGATGACA-3'